The following is an entry in ClinVar:

NM_001308210.2(TSHZ1):c.315C>T (p.Ser105=)

Gene: TSHZ1 (teashirt zinc finger homeobox 1; plus strand). Cytogenetic location: 18q22.3.
Variant type: single nucleotide variant.
Coding change: c.315C>T on transcript NM_001308210.2 (MANE Select); coding-DNA position 315, C replaced by T.
Protein change: p.Ser105=; no amino-acid change (serine 105 retained).
Molecular consequence: synonymous variant.
Genome position (GRCh38, 1-based): chr18:75,285,722, C>T. VCF-style: chr18-75285722-C-T. GRCh37 (hg19) VCF-style: chr18-72997677-C-T.
Other names: c.180C>T, p.Ser60= (NM_005786.6); c.315C>T (NM_001308210.1).
Identifiers: ClinVar variation 1260276 (VCV001260276.5), dbSNP rs3826609, ClinGen allele CA9001782.

ClinVar aggregate classification (germline): Benign. Review status: criteria provided, multiple submitters, no conflicts (2 of 4 stars). 3 submissions from 3 submitters: Benign (2). 1 of the submissions does not count toward it. Last evaluated 2020-09-18.

Conditions:
TSHZ1-related disorder. Also called: TSHZ1-related condition.

Allele frequency attached by ClinVar (database versions not stated): 1000 Genomes Project 30x 0.18254; 1000 Genomes Project 0.18490; TOPMed 0.22789; ESP Exome Variant Server 0.23382; gnomAD 0.23505 and 0.23533; ExAC 0.26175; gnomAD exomes 0.26260 and 0.29334.
gnomAD v4.1: 463,422 of 1,613,672 alleles (29%); highest among the groups gnomAD compares: Non-Finnish European, 31%; 69,953 homozygotes.

Submissions (3):

GeneDx
Classification: Benign. Last evaluated: 2020-09-18. Review status: criteria provided, single submitter. Criteria: GeneDx Variant Classification Process June 2021. Collection method: clinical testing. Allele origin: germline. Affected: yes.

Breakthrough Genomics
Classification: Benign. Review status: criteria provided, single submitter. Criteria: ACMG Guidelines, 2015. Collection method: not provided. Allele origin: germline. Inheritance: Autosomal dominant inheritance. Affected: yes.

PreventionGenetics, part of Exact Sciences
Classification: Benign for TSHZ1-related condition. Last evaluated: 2023-03-15. Review status: no assertion criteria provided. Collection method: clinical testing. Allele origin: germline. Not counted in ClinVar's aggregate classification.
Comment: This variant is classified as benign based on ACMG/AMP sequence variant interpretation guidelines (Richards et al. 2015 PMID: 25741868, with internal and published modifications).